The following is an entry in ClinVar:

ClinVar aggregate classification (germline): Uncertain significance (1 of 4 stars; one submission).

Submission:

Labcorp Genetics (formerly Invitae), Labcorp
Classification: Uncertain significance. Last evaluated: 2024-02-06. Review status: criteria provided, single submitter. Criteria: Invitae Variant Classification Sherloc (09022015). Collection method: clinical testing. Allele origin: germline.
Comment: This sequence change replaces alanine, which is neutral and non-polar, with glutamic acid, which is acidic and polar, at codon 61 of the GPR143 protein (p.Ala61Glu). The frequency data for this variant in the population databases is considered unreliable, as metrics indicate insufficient coverage at this position in the gnomAD database. This variant has not been reported in the literature in individuals affected with GPR143-related conditions. Advanced modeling of protein sequence and biophysical properties (such as structural, functional, and spatial information, amino acid conservation, physicochemical variation, residue mobility, and thermodynamic stability) performed at Invitae indicates that this missense variant is not expected to disrupt GPR143 protein function with a negative predictive value of 80%. In summary, the available evidence is currently insufficient to determine the role of this variant in disease. Therefore, it has been classified as a Variant of Uncertain Significance.

NM_000273.3(GPR143):c.182C>A (p.Ala61Glu)

Gene: GPR143 (G protein-coupled receptor 143; minus strand). Cytogenetic location: Xp22.2.
Variant type: single nucleotide variant.
Coding change: c.182C>A on transcript NM_000273.3 (MANE Select); coding-DNA position 182, C replaced by A.
Protein change: p.Ala61Glu; replaces alanine 61 with glutamic acid.
Molecular consequence: missense variant.
Genome position (GRCh38, 1-based): chrX:9,765,636, G>T on the plus strand (C>A on the coding strand, the complement: GPR143 is on the minus strand). VCF-style: chrX-9765636-G-T. GRCh37 (hg19) VCF-style: chrX-9733676-G-T.
Other names: short protein forms A61E.
Identifiers: ClinVar variation 3619557 (VCV003619557.2).